The following is an entry in ClinVar:

ClinVar aggregate classification (germline): Uncertain significance. Review status: criteria provided, single submitter (1 of 4 stars). 2 submissions from 2 submitters: Uncertain significance (1). 1 of the submissions does not count toward it. Last evaluated 2022-06-28.

Conditions:
Usher syndrome type 2A. Also called: RETINAL DISEASE IN USHER SYNDROME TYPE IIA, MODIFIER OF; USHER SYNDROME, TYPE IIA. Identifiers: Orphanet 231178, Orphanet 886, MedGen C1848634, MONDO:0010169, OMIM 276901.

gnomAD v4.1: 1 of 1,613,006 alleles (0.000062%); highest among the groups gnomAD compares: Non-Finnish European, 0.000085%; no homozygotes.

Submissions (2):

Labcorp Genetics (formerly Invitae), Labcorp
Classification: Uncertain significance. Last evaluated: 2022-06-28. Review status: criteria provided, single submitter. Criteria: Invitae Variant Classification Sherloc (09022015). Collection method: clinical testing. Allele origin: germline.
Comment: In summary, the available evidence is currently insufficient to determine the role of this variant in disease. Therefore, it has been classified as a Variant of Uncertain Significance. Algorithms developed to predict the effect of missense changes on protein structure and function (SIFT, PolyPhen-2, Align-GVGD) all suggest that this variant is likely to be tolerated. This variant has not been reported in the literature in individuals affected with USH2A-related conditions. This variant is not present in population databases (gnomAD no frequency). This sequence change replaces serine, which is neutral and polar, with threonine, which is neutral and polar, at codon 215 of the USH2A protein (p.Ser215Thr).

Natera, Inc.
Classification: Uncertain significance for Usher syndrome type 2A. Last evaluated: 2025-05-02. Review status: no assertion criteria provided. Collection method: clinical testing. Allele origin: germline. Not counted in ClinVar's aggregate classification.

NM_206933.4(USH2A):c.644G>C (p.Ser215Thr)

Gene: USH2A (usherin; minus strand). Cytogenetic location: 1q41.
Variant type: single nucleotide variant.
Coding change: c.644G>C on transcript NM_206933.4 (MANE Select); coding-DNA position 644, G replaced by C.
Protein change: p.Ser215Thr; replaces serine 215 with threonine.
Molecular consequence: missense variant.
Genome position (GRCh38, 1-based): chr1:216,418,521, C>G on the plus strand (G>C on the coding strand, the complement: USH2A is on the minus strand). VCF-style: chr1-216418521-C-G. GRCh37 (hg19) VCF-style: chr1-216591863-C-G.
Other names: c.644G>C, p.Ser215Thr (NM_007123.6); c.644G>C (NM_206933.2); short protein forms S215T.
Identifiers: ClinVar variation 1425580 (VCV001425580.7), dbSNP rs1458851498, ClinGen allele CA344902152.
Genomic context (GRCh38, chr1:216,418,521, plus strand): 5'-GAAGACAAATCCTTGTGTTTAACCAAATGTTAAATATTTTTTATTTTACTCACCTGCACA[C>G]TAAGATGAATCCATTTCTTCACAAGAATTCTCCCCAGTGTCATTACTTTTATTGGAGGTT-3'
Protein context (NP_996816.3, residues 205-225): RILVKKWIHL[Ser215Thr]VQVHQTKISF